The following is an entry in ClinVar:

NM_182931.3(KMT2E):c.4474C>G (p.Gln1492Glu)

Gene: KMT2E (lysine methyltransferase 2E (inactive); plus strand). Cytogenetic location: 7q22.3.
Variant type: single nucleotide variant.
Coding change: c.4474C>G on transcript NM_182931.3 (MANE Select); coding-DNA position 4474, C replaced by G.
Protein change: p.Gln1492Glu; replaces glutamine 1492 with glutamic acid.
Molecular consequence: missense variant.
Genome position (GRCh38, 1-based): chr7:105,112,230, C>G. VCF-style: chr7-105112230-C-G. GRCh37 (hg19) VCF-style: chr7-104752677-C-G.
Other names: c.4348C>G, p.Gln1450Glu (NM_001410908.1); c.4474C>G, p.Gln1492Glu (NM_018682.4); short protein forms Q1450E, Q1492E.
Identifiers: ClinVar variation 2250810 (VCV002250810.3), dbSNP rs759985927, ClinGen allele CA4424757.
Genomic context (GRCh38, chr7:105,112,230, plus strand): 5'-CAGCAGTTAGGATCTCCCTACAGGCCTCATCATTCACAGTCACCTCAAGTTGGAACACCT[C>G]AGCGAGAGCCTCAAAGAAACTTTTATCCAGCAGCACAGAACCTTCCAGCCAATACTCAGC-3'
Protein context (NP_891847.1, residues 1482-1502): HSQSPQVGTP[Gln1492Glu]REPQRNFYPA

ClinVar aggregate classification (germline): Uncertain significance. Review status: criteria provided, multiple submitters, no conflicts (2 of 4 stars). 2 submissions from 2 submitters: Uncertain significance (2). Last evaluated 2026-01-12.

Conditions:
Inborn genetic diseases. Identifiers: MedGen C0950123, MeSH D030342.

Allele frequency attached by ClinVar (database versions not stated): TOPMed below 0.00001; ExAC 0.00001.

Submissions (2):

Labcorp Genetics (formerly Invitae), Labcorp
Classification: Uncertain significance. Last evaluated: 2026-01-12. Review status: criteria provided, single submitter. Criteria: Invitae Variant Classification Sherloc (09022015). Collection method: clinical testing. Allele origin: germline.
Comment: This sequence change replaces glutamine, which is neutral and polar, with glutamic acid, which is acidic and polar, at codon 1492 of the KMT2E protein (p.Gln1492Glu). This variant is present in population databases (rs759985927, gnomAD 0.007%). This variant has not been reported in the literature in individuals affected with KMT2E-related conditions. ClinVar contains an entry for this variant (Variation ID: 2250810). Invitae Evidence Modeling of protein sequence and biophysical properties (such as structural, functional, and spatial information, amino acid conservation, physicochemical variation, residue mobility, and thermodynamic stability) indicates that this missense variant is not expected to disrupt KMT2E protein function with a negative predictive value of 80%. In summary, the available evidence is currently insufficient to determine the role of this variant in disease. Therefore, it has been classified as a Variant of Uncertain Significance.

Ambry Genetics
Classification: Uncertain significance for Inborn genetic diseases. Last evaluated: 2021-10-22. Review status: criteria provided, single submitter. Criteria: Ambry Variant Classification Scheme 2023. Collection method: clinical testing. Allele origin: germline.
Comment: The c.4474C>G (p.Q1492E) alteration is located in exon 27 (coding exon 25) of the KMT2E gene. This alteration results from a C to G substitution at nucleotide position 4474, causing the glutamine (Q) at amino acid position 1492 to be replaced by a glutamic acid (E). Based on data from gnomAD, the G allele has an overall frequency of 0.0004% (1/251,094) total alleles studied. This amino acid position is highly conserved in available vertebrate species. This alteration is predicted to be tolerated by in silico analysis. Based on insufficient or conflicting evidence, the clinical significance of this alteration remains unclear.